The following is an entry in ClinVar:

NM_021625.5(TRPV4):c.1336C>G (p.Arg446Gly)

Gene: TRPV4 (transient receptor potential cation channel subfamily V member 4; minus strand). Cytogenetic location: 12q24.11.
Variant type: single nucleotide variant.
Coding change: c.1336C>G on transcript NM_021625.5 (MANE Select); coding-DNA position 1336, C replaced by G.
Protein change: p.Arg446Gly; replaces arginine 446 with glycine.
Molecular consequence: missense variant.
Genome position (GRCh38, 1-based): chr12:109,794,484, G>C on the plus strand (C>G on the coding strand, the complement: TRPV4 is on the minus strand). VCF-style: chr12-109794484-G-C. GRCh37 (hg19) VCF-style: chr12-110232289-G-C.
Other names: c.1195C>G, p.Arg399Gly (NM_001177428.2); c.1234C>G, p.Arg412Gly (NM_001177431.2); c.1015C>G, p.Arg339Gly (NM_001177433.2); c.1156C>G, p.Arg386Gly (NM_147204.3); short protein forms R386G, R339G, R446G, R399G, R412G.
Identifiers: ClinVar variation 1919983 (VCV001919983.5), dbSNP rs145900289, ClinGen allele CA386653271.
Genomic context (GRCh38, chr12:109,794,484, plus strand): 5'-ACTTGCGCCACTTGTCCCGCAGCAGTTCATTGATGGGCTCCACAGCCAGCATCTCGTGGC[G>C]GTTCTAAGAGAGGCAGGGTGGTCGGGGGCTGCCTTCCTGAGATGGGTGGGGGGTCCAGGC-3'
Protein context (NP_067638.3, residues 436-456): ILVYNSKIEN[Arg446Gly]HEMLAVEPIN

ClinVar aggregate classification (germline): Uncertain significance (1 of 4 stars; one submission).

Conditions:
Charcot-Marie-Tooth disease axonal type 2C (HMSN2C). Also called: CHARCOT-MARIE-TOOTH DISEASE, AXONAL, AUTOSOMAL DOMINANT, TYPE 2C; Charcot-Marie-Tooth Neuropathy Type 2C; Charcot-Marie-Tooth Disease Type 2, TRPV4-Related (CMT2C). Identifiers: Orphanet 99937, MedGen C1853710, MONDO:0011633, OMIM 606071.

Submission:

Labcorp Genetics (formerly Invitae), Labcorp
Classification: Uncertain significance for Charcot-Marie-Tooth disease axonal type 2C. Last evaluated: 2022-04-30. Review status: criteria provided, single submitter. Criteria: Invitae Variant Classification Sherloc (09022015). Collection method: clinical testing. Allele origin: germline.
Comment: In summary, the available evidence is currently insufficient to determine the role of this variant in disease. Therefore, it has been classified as a Variant of Uncertain Significance. Algorithms developed to predict the effect of missense changes on protein structure and function are either unavailable or do not agree on the potential impact of this missense change (SIFT: "Tolerated"; PolyPhen-2: "Possibly Damaging"; Align-GVGD: "Class C0"). This variant has not been reported in the literature in individuals affected with TRPV4-related conditions. This variant is not present in population databases (gnomAD no frequency). This sequence change replaces arginine, which is basic and polar, with glycine, which is neutral and non-polar, at codon 446 of the TRPV4 protein (p.Arg446Gly).